The following is an entry in ClinVar:

ClinVar aggregate classification (germline): Benign/Likely benign. Review status: criteria provided, multiple submitters, no conflicts (2 of 4 stars). 2 submissions from 2 submitters: Benign (1); Likely benign (1). Last evaluated 2024-12-23.

Conditions:
Neonatal diabetes mellitus with congenital hypothyroidism. Also called: NDH SYNDROME. Identifiers: Orphanet 79118, MedGen C1857775, MONDO:0012436, OMIM 610199.

Allele frequency attached by ClinVar (database versions not stated): ESP Exome Variant Server 0.00008; gnomAD 0.00008 and 0.00015; TOPMed 0.00018; ExAC 0.00028; gnomAD exomes 0.00032; 1000 Genomes Project 0.00120; 1000 Genomes Project 30x 0.00141.
gnomAD v4.1: 164 of 1,614,028 alleles (0.01%); highest among the groups gnomAD compares: East Asian, 0.33%; no homozygotes.

Submissions (2):

Labcorp Genetics (formerly Invitae), Labcorp
Classification: Likely benign. Last evaluated: 2024-12-23. Review status: criteria provided, single submitter. Criteria: Invitae Variant Classification Sherloc (09022015). Collection method: clinical testing. Allele origin: germline.

Illumina Laboratory Services, Illumina
Classification: Benign for Neonatal diabetes mellitus with congenital hypothyroidism. Last evaluated: 2017-08-21. Review status: criteria provided, single submitter. Criteria: ICSL Variant Classification Criteria 13 December 2019. Collection method: clinical testing. Allele origin: germline.
Comment: This variant was observed as part of a predisposition screen in an ostensibly healthy population. A literature search was performed for the gene, cDNA change, and amino acid change (where applicable). Publications were found based on this search. The evidence from the literature, in combination with allele frequency data from public databases where available, was sufficient to rule this variant out of causing disease. Therefore, this variant is classified as benign.

Literature cited by the submitters: PubMed 23856252 (cited by Illumina Laboratory Services, Illumina).

NM_001042413.2(GLIS3):c.2723C>T (p.Ala908Val)

Gene: GLIS3 (GLIS family zinc finger 3; minus strand). Cytogenetic location: 9p24.2.
Variant type: single nucleotide variant.
Coding change: c.2723C>T on transcript NM_001042413.2 (MANE Select); coding-DNA position 2723, C replaced by T.
Protein change: p.Ala908Val; replaces alanine 908 with valine.
Molecular consequence: missense variant.
Genome position (GRCh38, 1-based): chr9:3,828,342, G>A on the plus strand (C>T on the coding strand, the complement: GLIS3 is on the minus strand). VCF-style: chr9-3828342-G-A. GRCh37 (hg19) VCF-style: chr9-3828342-G-A.
Other names: c.2258C>T, p.Ala753Val (NM_152629.4); short protein forms A753V, A908V.
Identifiers: ClinVar variation 913195 (VCV000913195.8), dbSNP rs140101069, ClinGen allele CA4967650.